The following is an entry in ClinVar:

GRCh37/hg19 3q29(chr3:194498718-196196789)x1

Genes: ACAP2 (ArfGAP with coiled-coil, ankyrin repeat and PH domains 2; minus strand), APOD (apolipoprotein D; minus strand), DYNLT2B (dynein light chain Tctex-type 2B; minus strand), MIR570 (microRNA 570), MUC20 (mucin 20, cell surface associated) and 12 more. Cytogenetic location: 3q29.
Variant type: copy number loss.
Change: copy number 1 (one copy instead of two) of chr3:194,498,718-196,196,789 (1.70 Mb, GRCh37 coordinates, 1-based), cytogenetic band 3q29.
Identifiers: ClinVar variation 988913 (VCV000988913.4).

ClinVar aggregate classification (germline): Uncertain significance (1 of 4 stars; one submission).

Submission:

Illumina Laboratory Services, Illumina
Classification: Uncertain significance. Last evaluated: 2020-11-16. Review status: criteria provided, single submitter. Criteria: ICSL CNVClassificationCriteria Aug2020. Collection method: clinical testing. Allele origin: unknown.
Comment: This CNV is a 1.7 Mb deletion of 3q29, on chromosome 3, (seq[GRCh37]del(3)(q29);chr3:g.194498718_196196789del) which is inherited. This CNV constitutes a loss encompassing more than 50 genes, of which 15 are protein-coding with unclear information on haploinsufficiency. This CNV overlaps the proximal 400 kb region of a recurrent 1.6 Mb deletion associated with 3q29 microdeletion syndrome, which has been reported in more than 50 cases (Mulle et al. 2017). The 3q29 microdeletion syndrome is inherited in an autosomal dominant pattern, in most cases occurring de novo although at least eight cases have inherited a deletion from a mildly affected parent (Khan et al. 2019). The expressivity of 3q29 microdeletion syndrome is variable with common features including mild to moderate intellectual disability and language-based learning difficulties, speech delay, behavioral abnormalities consistent with autism and attention deficit disorder, and craniofacial dysmorphic features. Additional features in some individuals include chest deformities such as pectus carinatum, ocular abnormalities, joint contractures, heart defects, and gastrointestinal disorders (Cox et al. 2015; Glassford et al. 2016, Mulle et al. 2016). This CNV has not been reported in controls. Based on the available evidence, this CNV is classified as a variant of uncertain significance.

Literature cited by the submitters: PubMed 25714563; PubMed 26738761; PubMed 27656750; PubMed 30885185; PubMed 31338352.